The following is an entry in ClinVar:

ClinVar aggregate classification (germline): Uncertain significance (1 of 4 stars; one submission).

gnomAD v4.1: 14 of 1,515,028 alleles (0.00092%); highest among the groups gnomAD compares: Non-Finnish European, 0.0013%; no homozygotes.

Submission:

Labcorp Genetics (formerly Invitae), Labcorp
Classification: Uncertain significance. Last evaluated: 2025-03-17. Review status: criteria provided, single submitter. Criteria: Invitae Variant Classification Sherloc (09022015). Collection method: clinical testing. Allele origin: germline.
Comment: This sequence change replaces arginine, which is basic and polar, with serine, which is neutral and polar, at codon 157 of the C5 protein (p.Arg157Ser). This variant is not present in population databases (gnomAD no frequency). This variant has not been reported in the literature in individuals affected with C5-related conditions. ClinVar contains an entry for this variant (Variation ID: 1926025). Invitae Evidence Modeling of protein sequence and biophysical properties (such as structural, functional, and spatial information, amino acid conservation, physicochemical variation, residue mobility, and thermodynamic stability) indicates that this missense variant is not expected to disrupt C5 protein function with a negative predictive value of 80%. In summary, the available evidence is currently insufficient to determine the role of this variant in disease. Therefore, it has been classified as a Variant of Uncertain Significance.

NM_001735.3(C5):c.471A>T (p.Arg157Ser)

Gene: C5 (complement C5; minus strand). Cytogenetic location: 9q33.2.
Variant type: single nucleotide variant.
Coding change: c.471A>T on transcript NM_001735.3 (MANE Select); coding-DNA position 471, A replaced by T.
Protein change: p.Arg157Ser; replaces arginine 157 with serine.
Molecular consequence: missense variant.
Genome position (GRCh38, 1-based): chr9:121,037,902, T>A on the plus strand (A>T on the coding strand, the complement: C5 is on the minus strand). VCF-style: chr9-121037902-T-A. GRCh37 (hg19) VCF-style: chr9-123800180-T-A.
Other names: c.489A>T, p.Arg163Ser (NM_001317163.2); c.471A>T, p.Arg157Ser (NM_001317164.2); short protein forms R157S, R163S.
Identifiers: ClinVar variation 1926025 (VCV001926025.5), dbSNP rs776071022, ClinGen allele CA199397290.
Genomic context (GRCh38, chr9:121,037,902, plus strand): 5'-AATGAATTAAAGTATTATTTAAATAAATAAAATACTTACTATGAAAGTTAAGACAGTTTC[T>A]CTTTTGGCTGGCTTCAAGTCGTCATTCAACGAATAAACTCTAACTTTTACTGTAAGAATA-3'
Protein context (NP_001726.2, residues 147-167): SLNDDLKPAK[Arg157Ser]ETVLTFIDPE